The following is an entry in ClinVar:

NM_001363118.2(SLC52A2):c.1258G>A (p.Ala420Thr)

Gene: SLC52A2 (solute carrier family 52 member 2; plus strand). Cytogenetic location: 8q24.3.
Variant type: single nucleotide variant.
Coding change: c.1258G>A on transcript NM_001363118.2 (MANE Select); coding-DNA position 1258, G replaced by A.
Protein change: p.Ala420Thr; replaces alanine 420 with threonine.
Molecular consequence: missense variant. On other transcripts: non-coding transcript variant (1).
Genome position (GRCh38, 1-based): chr8:144,360,935, G>A. VCF-style: chr8-144360935-G-A. GRCh37 (hg19) VCF-style: chr8-145584595-G-A.
Other names: c.1258G>A, p.Ala420Thr (NM_001253815.2, NM_001253816.2, NM_001363120.2 and 2 more transcripts); c.766G>A, p.Ala256Thr (NM_001363122.2); short protein forms A420T, A256T.
Identifiers: ClinVar variation 210043 (VCV000210043.19), dbSNP rs368924997, ClinGen allele CA347025.

ClinVar aggregate classification (germline): Pathogenic/Likely pathogenic. Review status: criteria provided, multiple submitters, no conflicts (2 of 4 stars). 6 submissions from 6 submitters: Pathogenic (3); Likely pathogenic (2). 1 of the submissions does not count toward it. Last evaluated 2025-07-08.

Conditions:
SLC52A2-related disorder. Also called: SLC52A2-related condition.
Brown-Vialetto-van Laere syndrome 2. Also called: SPINOCEREBELLAR ATAXIA WITH BLINDNESS AND DEAFNESS 2; Riboflavin transporter deficiency type 2. Identifiers: Orphanet 572543, Orphanet 97229, MedGen C3553538, MONDO:0013867, OMIM 614707.

Allele frequency attached by ClinVar (database versions not stated): ExAC 0.00001; gnomAD 0.00001; gnomAD exomes 0.00001; TOPMed 0.00001; ESP Exome Variant Server 0.00008.

Submissions (6):

Labcorp Genetics (formerly Invitae), Labcorp
Classification: Pathogenic for Brown-Vialetto-van Laere syndrome 2. Last evaluated: 2025-07-08. Review status: criteria provided, single submitter. Criteria: Invitae Variant Classification Sherloc (09022015). Collection method: clinical testing. Allele origin: germline.
Comment: This sequence change replaces alanine, which is neutral and non-polar, with threonine, which is neutral and polar, at codon 420 of the SLC52A2 protein (p.Ala420Thr). This variant is present in population databases (rs368924997, gnomAD 0.006%). This missense change has been observed in individuals with Brown-Vialetto-Van Laere syndrome (PMID: 24253200; internal data). ClinVar contains an entry for this variant (Variation ID: 210043). Invitae Evidence Modeling of protein sequence and biophysical properties (such as structural, functional, and spatial information, amino acid conservation, physicochemical variation, residue mobility, and thermodynamic stability) has been performed for this missense variant. However, the output from this modeling did not meet the statistical confidence thresholds required to predict the impact of this variant on SLC52A2 protein function. For these reasons, this variant has been classified as Pathogenic.

Blueprint Genetics
Classification: Pathogenic for SLC52A2-related disorders. Last evaluated: 2024-05-22. Review status: criteria provided, single submitter. Criteria: ACMG Guidelines, 2015. Collection method: clinical testing. Allele origin: germline. Affected: yes. Observed: 1 variant allele.

GeneDx
Classification: Likely pathogenic. Last evaluated: 2022-08-25. Review status: criteria provided, single submitter. Criteria: GeneDx Variant Classification Process June 2021. Collection method: clinical testing. Allele origin: germline. Affected: yes.
Comment: In silico analysis supports that this missense variant has a deleterious effect on protein structure/function; Not observed at significant frequency in large population cohorts (gnomAD); This variant is associated with the following publications: (PMID: 24253200, 22864630, 32709422)

Laboratory of Medical Genetics, National & Kapodistrian University of Athens
Classification: Pathogenic for Brown-Vialetto-van Laere syndrome 2. Last evaluated: 2021-10-05. Review status: criteria provided, single submitter. Criteria: ACMG Guidelines, 2015. Collection method: clinical testing. Allele origin: unknown. Affected: yes.
Comment: PM1, PM2, PP3, PP5

Eurofins Ntd Llc (ga)
Classification: Likely pathogenic. Last evaluated: 2016-08-16. Review status: criteria provided, single submitter. Criteria: EGL Classification Definitions 2015. Collection method: clinical testing. Allele origin: germline. Observed: 1 variant allele, 1 heterozygote.

GeneReviews
No classification provided. Condition: Brown-Vialetto-van Laere syndrome 2. Review status: no classification provided. Collection method: literature only. Allele origin: germline. Affected: yes. Not counted in ClinVar's aggregate classification.

Literature cited by the submitters: PubMed 24253200 (cited by Labcorp Genetics (formerly Invitae), Labcorp and GeneReviews); NCBI Bookshelf NBK299312 (cited by GeneReviews).